The following is an entry in ClinVar:

NM_001244008.2(KIF1A):c.991T>C (p.Leu331=)

Gene: KIF1A (kinesin family member 1A; minus strand). Cytogenetic location: 2q37.3.
Variant type: single nucleotide variant.
Coding change: c.991T>C on transcript NM_001244008.2 (MANE Select); coding-DNA position 991, T replaced by C.
Protein change: p.Leu331=; no amino-acid change (leucine 331 retained).
Molecular consequence: synonymous variant.
Genome position (GRCh38, 1-based): chr2:240,774,229, A>G on the plus strand (T>C on the coding strand, the complement: KIF1A is on the minus strand). VCF-style: chr2-240774229-A-G. GRCh37 (hg19) VCF-style: chr2-241713646-A-G.
Other names: p.Leu331=; c.991T>C, p.Leu331= (NM_001320705.2, NM_001330289.2, NM_001330290.2 and 20 more transcripts); c.991T>C (NM_004321.7).
Identifiers: ClinVar variation 129396 (VCV000129396.37), dbSNP rs1063353, ClinGen allele CA153380.

ClinVar aggregate classification (germline): Benign/Likely benign. Review status: criteria provided, multiple submitters, no conflicts (2 of 4 stars). 12 submissions from 12 submitters: Benign (8); Likely benign (1). 3 of the submissions do not count toward it. Last evaluated 2026-02-04.

Conditions:
Neuropathy, hereditary sensory, type 2C. Also called: Hereditary sensory and autonomic neuropathy type IIC; KIF1A-Related HSAN2 (HSAN2C). Identifiers: Orphanet 970, MedGen C3280168, MONDO:0013634, OMIM 614213.
Intellectual disability, autosomal dominant 9 (NESCAVS). Also called: NESCAV SYNDROME; KIF1A-Related Neurodevelopmental Disorder. Identifiers: Orphanet 662367, MedGen C5393830, MONDO:0013656, OMIM 614255.
Hereditary spastic paraplegia 30. Identifiers: Orphanet 101010, MedGen C5235139, MONDO:0012476.
Inborn genetic diseases. Identifiers: MedGen C0950123, MeSH D030342.
Hereditary spastic paraplegia. Also called: Familial spastic paraparesis. Identifiers: Orphanet 685, MedGen C0037773, MONDO:0019064. Disease mechanism: loss of function.

Allele frequency attached by ClinVar (database versions not stated): gnomAD exomes 0.37379; ExAC 0.38623; gnomAD 0.44739 and 0.45235; ESP Exome Variant Server 0.44856; TOPMed 0.46069; 1000 Genomes Project 0.51358; 1000 Genomes Project 30x 0.51780.
gnomAD v4.1: 588,676 of 1,608,610 alleles (37%); highest among the groups gnomAD compares: African/African-American, 68%; 114,082 homozygotes.

Submissions (12):

Labcorp Genetics (formerly Invitae), Labcorp
Classification: Benign for Hereditary spastic paraplegia 30; Neuropathy, hereditary sensory, type 2C; Intellectual disability, autosomal dominant 9. Last evaluated: 2026-02-04. Review status: criteria provided, single submitter. Criteria: Invitae Variant Classification Sherloc (09022015). Collection method: clinical testing. Allele origin: germline.

Blueprint Genetics
Classification: Likely benign. Last evaluated: 2024-11-26. Review status: criteria provided, single submitter. Criteria: ACMG Guidelines, 2015. Collection method: clinical testing. Allele origin: germline.

Illumina Laboratory Services, Illumina
Classification: Benign for Spastic paraplegia 30A, autosomal dominant. Last evaluated: 2018-01-13. Review status: criteria provided, single submitter. Criteria: ICSL Variant Classification Criteria 13 December 2019. Collection method: clinical testing. Allele origin: germline.
Comment: This variant was observed in the ICSL laboratory as part of a predisposition screen in an ostensibly healthy population. It had not been previously curated by ICSL or reported in the Human Gene Mutation Database (HGMD: prior to June 1st, 2018), and was therefore a candidate for classification through an automated scoring system. Utilizing variant allele frequency, disease prevalence and penetrance estimates, and inheritance mode, an automated score was calculated to assess if this variant is too frequent to cause the disease. Based on the score and internal cut-off values, a variant classified as benign is not then subjected to further curation. The score for this variant resulted in a classification of benign for this disease.

Genome Diagnostics Laboratory, The Hospital for Sick Children
Classification: Benign for Hereditary spastic paraplegia. Last evaluated: 2016-12-12. Review status: criteria provided, single submitter. Criteria: ACMG Guidelines, 2015. Collection method: clinical testing. Allele origin: germline. Affected: yes.

Ambry Genetics
Classification: Benign for Inborn genetic diseases. Last evaluated: 2016-03-11. Review status: criteria provided, single submitter. Criteria: Ambry Variant Classification Scheme 2023. Collection method: clinical testing. Allele origin: germline.

Mayo Clinic Laboratories, Mayo Clinic
Classification: Benign. Last evaluated: 2015-10-22. Review status: criteria provided, single submitter. Criteria: ACMG Guidelines, 2015. Collection method: clinical testing. Allele origin: germline. Observed: 1,170 variant alleles.

Eurofins Ntd Llc (ga)
Classification: Benign. Last evaluated: 2015-09-23. Review status: criteria provided, single submitter. Criteria: EGL Classification Definitions 2015. Collection method: clinical testing. Allele origin: germline. Observed: 3 variant alleles, 3 homozygotes.

GeneDx
Classification: Benign. Last evaluated: 2015-03-03. Review status: criteria provided, single submitter. Criteria: GeneDx Variant Classification Process June 2021. Collection method: clinical testing. Allele origin: germline. Affected: yes.

Breakthrough Genomics
Classification: Benign. Review status: criteria provided, single submitter. Criteria: ACMG Guidelines, 2015. Collection method: not provided. Allele origin: germline. Inheritance: Autosomal recessive inheritance. Affected: yes.

Clinical Genetics, Academic Medical Center
Classification: Benign. Review status: no assertion criteria provided. Collection method: clinical testing. Allele origin: germline. Affected: yes. Study: VKGL Data-share Consensus. Not counted in ClinVar's aggregate classification.

Genetic Services Laboratory, University of Chicago
Classification: Likely benign for AllHighlyPenetrant. Review status: no assertion criteria provided. Collection method: clinical testing. Allele origin: germline. Not counted in ClinVar's aggregate classification.
Comment: Likely benign based on allele frequency in 1000 Genomes Project or ESP global frequency and its presence in a patient with a rare or unrelated disease phenotype. NOT Sanger confirmed.

Joint Genome Diagnostic Labs from Nijmegen and Maastricht, Radboudumc and MUMC+
Classification: Benign. Review status: no assertion criteria provided. Collection method: clinical testing. Allele origin: germline. Affected: yes. Study: VKGL Data-share Consensus. Not counted in ClinVar's aggregate classification.